The following is an entry in ClinVar:

NM_000548.5(TSC2):c.2326T>C (p.Tyr776His)

Gene: TSC2 (TSC complex subunit 2; plus strand). Cytogenetic location: 16p13.3.
Variant type: single nucleotide variant.
Coding change: c.2326T>C on transcript NM_000548.5 (MANE Select); coding-DNA position 2326, T replaced by C.
Protein change: p.Tyr776His; replaces tyrosine 776 with histidine.
Molecular consequence: missense variant. On other transcripts: non-coding transcript variant (5).
Genome position (GRCh38, 1-based): chr16:2,072,954, T>C. VCF-style: chr16-2072954-T-C. GRCh37 (hg19) VCF-style: chr16-2122955-T-C.
Other names: c.2326T>C, p.Tyr776His (NM_001077183.3, NM_001114382.3, NM_001363528.2 and 6 more transcripts); c.2215T>C, p.Tyr739His (NM_001318827.2, NM_001406678.1, NM_001406670.1); c.2179T>C, p.Tyr727His (NM_001318829.2, NM_001406675.1, NM_001406676.1 and 1 more transcripts); c.1726T>C, p.Tyr576His (NM_001318831.2, NM_001406680.1, NM_001406682.1 and 6 more transcripts); c.2359T>C, p.Tyr787His (NM_001318832.2); c.2269T>C, p.Tyr757His (NM_001406677.1); c.1864T>C, p.Tyr622His (NM_001406681.1); c.982T>C, p.Tyr328His (NM_001406694.1, NM_001406695.1, NM_001406696.1 and 6 more transcripts); and 3 more; short protein forms Y242H, Y576H, Y622H, Y757H, Y787H, Y727H, Y776H, Y806H.
Identifiers: ClinVar variation 2713813 (VCV002713813.5), dbSNP rs2543768462, ClinGen allele CA394276653.

ClinVar aggregate classification (germline): Uncertain significance. Review status: criteria provided, multiple submitters, no conflicts (2 of 4 stars). 2 submissions from 2 submitters: Uncertain significance (2). Last evaluated 2026-07-01.

Conditions:
Hereditary cancer-predisposing syndrome. Also called: Hereditary Cancer Syndrome; Hereditary neoplastic syndrome; Neoplastic Syndromes, Hereditary; Tumor predisposition. Identifiers: Orphanet 140162, MedGen C0027672, MeSH D009386, MONDO:0015356.
Tuberous sclerosis 2 (TSC2). Identifiers: Orphanet 805, MedGen C1860707, MONDO:0013199, OMIM 613254.

Submissions (2):

Ambry Genetics
Classification: Uncertain significance for Hereditary cancer-predisposing syndrome. Last evaluated: 2026-07-01. Review status: criteria provided, single submitter. Criteria: Ambry Variant Classification Scheme 2023. Collection method: clinical testing. Allele origin: germline.
Comment: The p.Y776H variant (also known as c.2326T>C), located in coding exon 20 of the TSC2 gene, results from a T to C substitution at nucleotide position 2326. The tyrosine at codon 776 is replaced by histidine, an amino acid with similar properties. This amino acid position is highly conserved in available vertebrate species. In addition, this alteration is predicted to be deleterious by in silico analysis. Based on the available evidence, the clinical significance of this variant remains unclear.

Labcorp Genetics (formerly Invitae), Labcorp
Classification: Uncertain significance for Tuberous sclerosis 2. Last evaluated: 2024-01-31. Review status: criteria provided, single submitter. Criteria: Invitae Variant Classification Sherloc (09022015). Collection method: clinical testing. Allele origin: germline.
Comment: This sequence change replaces tyrosine, which is neutral and polar, with histidine, which is basic and polar, at codon 776 of the TSC2 protein (p.Tyr776His). This variant is not present in population databases (gnomAD no frequency). This variant has not been reported in the literature in individuals affected with TSC2-related conditions. Advanced modeling of protein sequence and biophysical properties (such as structural, functional, and spatial information, amino acid conservation, physicochemical variation, residue mobility, and thermodynamic stability) has been performed at Invitae for this missense variant, however the output from this modeling did not meet the statistical confidence thresholds required to predict the impact of this variant on TSC2 protein function. In summary, the available evidence is currently insufficient to determine the role of this variant in disease. Therefore, it has been classified as a Variant of Uncertain Significance.